The following is an entry in ClinVar:

NM_003072.5(SMARCA4):c.1808G>A (p.Gly603Asp)

Gene: SMARCA4 (SWI/SNF related BAF chromatin remodeling complex subunit ATPase 4; plus strand). Cytogenetic location: 19p13.2.
Variant type: single nucleotide variant.
Coding change: c.1808G>A on transcript NM_003072.5 (MANE Select); coding-DNA position 1808, G replaced by A.
Protein change: p.Gly603Asp; replaces glycine 603 with aspartic acid.
Molecular consequence: missense variant. On other transcripts: non-coding transcript variant (1).
Genome position (GRCh38, 1-based): chr19:10,996,540, G>A. VCF-style: chr19-10996540-G-A. GRCh37 (hg19) VCF-style: chr19-11107216-G-A.
Other names: c.1808G>A, p.Gly603Asp (NM_001128844.3, NM_001128845.2, NM_001128846.2 and 4 more transcripts); short protein forms G603D.
Identifiers: ClinVar variation 820116 (VCV000820116.5), dbSNP rs1600085226, ClinGen allele CA404064895.

ClinVar aggregate classification (germline): Uncertain significance. Review status: criteria provided, multiple submitters, no conflicts (2 of 4 stars). 2 submissions from 2 submitters: Uncertain significance (2). Last evaluated 2025-04-23.

Conditions:
Rhabdoid tumor predisposition syndrome 2 (RTPS2). Identifiers: Orphanet 231108, Orphanet 69077, MedGen C2750074, MONDO:0013224, OMIM 613325.
Hereditary cancer-predisposing syndrome. Also called: Neoplastic Syndromes, Hereditary; Tumor predisposition; Hereditary Cancer Syndrome; Hereditary neoplastic syndrome. Identifiers: Orphanet 140162, MedGen C0027672, MeSH D009386, MONDO:0015356.

Submissions (2):

Labcorp Genetics (formerly Invitae), Labcorp
Classification: Uncertain significance for Rhabdoid tumor predisposition syndrome 2. Last evaluated: 2025-04-23. Review status: criteria provided, single submitter. Criteria: Invitae Variant Classification Sherloc (09022015). Collection method: clinical testing. Allele origin: germline.
Comment: This sequence change replaces glycine, which is neutral and non-polar, with aspartic acid, which is acidic and polar, at codon 603 of the SMARCA4 protein (p.Gly603Asp). This variant is not present in population databases (gnomAD no frequency). This variant has not been reported in the literature in individuals affected with SMARCA4-related conditions. ClinVar contains an entry for this variant (Variation ID: 820116). Invitae Evidence Modeling of protein sequence and biophysical properties (such as structural, functional, and spatial information, amino acid conservation, physicochemical variation, residue mobility, and thermodynamic stability) indicates that this missense variant is not expected to disrupt SMARCA4 protein function with a negative predictive value of 95%. In summary, the available evidence is currently insufficient to determine the role of this variant in disease. Therefore, it has been classified as a Variant of Uncertain Significance.

Ambry Genetics
Classification: Uncertain significance for Hereditary cancer-predisposing syndrome. Last evaluated: 2018-09-10. Review status: criteria provided, single submitter. Criteria: Ambry Variant Classification Scheme 2023. Collection method: clinical testing. Allele origin: germline.
Comment: The p.G603D variant (also known as c.1808G>A), located in coding exon 10 of the SMARCA4 gene, results from a G to A substitution at nucleotide position 1808. The glycine at codon 603 is replaced by aspartic acid, an amino acid with similar properties. This amino acid position is highly conserved in available vertebrate species. In addition, the in silico prediction for this alteration is inconclusive. Since supporting evidence is limited at this time, the clinical significance of this alteration remains unclear.